The following is an entry in ClinVar:

NM_001378454.1(ALMS1):c.2279A>G (p.Gln760Arg)

Gene: ALMS1 (ALMS1 centrosome and basal body associated protein; plus strand). Cytogenetic location: 2p13.1.
Variant type: single nucleotide variant.
Coding change: c.2279A>G on transcript NM_001378454.1 (MANE Select); coding-DNA position 2279, A replaced by G.
Protein change: p.Gln760Arg; replaces glutamine 760 with arginine.
Molecular consequence: missense variant.
Genome position (GRCh38, 1-based): chr2:73,448,806, A>G. VCF-style: chr2-73448806-A-G. GRCh37 (hg19) VCF-style: chr2-73675933-A-G.
Other names: c.2282A>G, p.Gln761Arg (NM_015120.4); short protein forms Q761R, Q760R.
Identifiers: ClinVar variation 658198 (VCV000658198.11), dbSNP rs1572932391, ClinGen allele CA347267514.

ClinVar aggregate classification (germline): Uncertain significance. Review status: criteria provided, multiple submitters, no conflicts (2 of 4 stars). 4 submissions from 4 submitters: Uncertain significance (3). 1 of the submissions does not count toward it. Last evaluated 2021-11-09.

Conditions:
Alstrom syndrome (ALMS). Identifiers: Orphanet 64, MedGen C0268425, MONDO:0008763, OMIM 203800.
Cardiovascular phenotype. Identifiers: MedGen CN230736.

gnomAD v4.1: 1 of 1,613,908 alleles (0.000062%); highest among the groups gnomAD compares: Non-Finnish European, 0.000085%; no homozygotes.

Submissions (4):

Fulgent Genetics
Classification: Uncertain significance for Alstrom syndrome. Last evaluated: 2021-11-09. Review status: criteria provided, single submitter. Criteria: ACMG Guidelines, 2015. Collection method: clinical testing. Allele origin: unknown.

Labcorp Genetics (formerly Invitae), Labcorp
Classification: Uncertain significance for Alstrom syndrome. Last evaluated: 2021-08-24. Review status: criteria provided, single submitter. Criteria: Invitae Variant Classification Sherloc (09022015). Collection method: clinical testing. Allele origin: germline.

Ambry Genetics
Classification: Uncertain significance for Cardiovascular phenotype. Last evaluated: 2019-08-20. Review status: criteria provided, single submitter. Criteria: Ambry Variant Classification Scheme 2023. Collection method: clinical testing. Allele origin: germline.
Comment: The p.Q761R variant (also known as c.2282A>G), located in coding exon 8 of the ALMS1 gene, results from an A to G substitution at nucleotide position 2282. The glutamine at codon 761 is replaced by arginine, an amino acid with highly similar properties. This amino acid position is poorly conserved in available vertebrate species. In addition, this alteration is predicted to be tolerated by in silico analysis. Since supporting evidence is limited at this time, the clinical significance of this alteration remains unclear.

Natera, Inc.
Classification: Uncertain significance for Alstrom syndrome. Last evaluated: 2021-03-01. Review status: no assertion criteria provided. Collection method: clinical testing. Allele origin: germline. Not counted in ClinVar's aggregate classification.